The following is an entry in ClinVar:

ClinVar aggregate classification (germline): Uncertain significance (1 of 4 stars; one submission).

Conditions:
Epileptic encephalopathy. Identifiers: MedGen C0543888, HP:0200134.

Allele frequency attached by ClinVar (database versions not stated): TOPMed 0.00003.
gnomAD v4.1: 3 of 1,613,872 alleles (0.00019%); highest among the groups gnomAD compares: African/African-American, 0.004%; no homozygotes.

Submission:

Labcorp Genetics (formerly Invitae), Labcorp
Classification: Uncertain significance for Epileptic encephalopathy. Last evaluated: 2020-10-28. Review status: criteria provided, single submitter. Criteria: Invitae Variant Classification Sherloc (09022015). Collection method: clinical testing. Allele origin: germline.
Comment: In summary, this variant is a novel missense change that is not predicted to affect protein function. There is no indication that it causes disease, but the available evidence is currently insufficient to prove that conclusively. Therefore, it has been classified as a Variant of Uncertain Significance. Algorithms developed to predict the effect of missense changes on protein structure and function (SIFT, PolyPhen-2, Align-GVGD) all suggest that this variant is likely to be tolerated, but these predictions have not been confirmed by published functional studies. This variant is not present in population databases (ExAC no frequency) and has not been reported in the literature in individuals with an RYR3-related disease. This sequence change replaces histidine with tyrosine at codon 1679 of the RYR3 protein (p.His1679Tyr). The histidine residue is moderately conserved and there is a moderate physicochemical difference between histidine and tyrosine.

NM_001036.6(RYR3):c.5035C>T (p.His1679Tyr)

Gene: RYR3 (ryanodine receptor 3; plus strand). Cytogenetic location: 15q14.
Variant type: single nucleotide variant.
Coding change: c.5035C>T on transcript NM_001036.6 (MANE Select); coding-DNA position 5035, C replaced by T.
Protein change: p.His1679Tyr; replaces histidine 1679 with tyrosine.
Molecular consequence: missense variant.
Genome position (GRCh38, 1-based): chr15:33,662,565, C>T. VCF-style: chr15-33662565-C-T. GRCh37 (hg19) VCF-style: chr15-33954766-C-T.
Other names: c.5035C>T, p.His1679Tyr (NM_001243996.4); short protein forms H1679Y.
Identifiers: ClinVar variation 461921 (VCV000461921.10), dbSNP rs750424423, ClinGen allele CA268543092.